The following is an entry in ClinVar:

NM_004830.4(MED23):c.89C>A (p.Pro30His)

Gene: MED23 (mediator complex subunit 23; minus strand). Cytogenetic location: 6q23.2.
Variant type: single nucleotide variant.
Coding change: c.89C>A on transcript NM_004830.4 (MANE Select); coding-DNA position 89, C replaced by A.
Protein change: p.Pro30His; replaces proline 30 with histidine.
Molecular consequence: missense variant.
Genome position (GRCh38, 1-based): chr6:131,627,466, G>T on the plus strand (C>A on the coding strand, the complement: MED23 is on the minus strand). VCF-style: chr6-131627466-G-T. GRCh37 (hg19) VCF-style: chr6-131948606-G-T.
Other names: c.89C>A, p.Pro30His (NM_001270521.2, NM_001270522.2, NM_001376517.1 and 7 more transcripts); c.17C>A, p.Pro6His (NM_001376518.1); short protein forms P30H, P6H.
Identifiers: ClinVar variation 1765396 (VCV001765396.2), dbSNP rs376715175, ClinGen allele CA4000359.

ClinVar aggregate classification (germline): Uncertain significance (1 of 4 stars; one submission).

Conditions:
Inborn genetic diseases. Identifiers: MedGen C0950123, MeSH D030342.

Allele frequency attached by ClinVar (database versions not stated): gnomAD exomes below 0.00001; ExAC 0.00001; gnomAD 0.00001; TOPMed 0.00002; ESP Exome Variant Server 0.00008.
gnomAD v4.1: 2 of 1,613,166 alleles (0.00012%); highest among the groups gnomAD compares: Non-Finnish European, 0.00017%; no homozygotes.

Submission:

Ambry Genetics
Classification: Uncertain significance for Inborn genetic diseases. Last evaluated: 2019-10-24. Review status: criteria provided, single submitter. Criteria: Ambry Variant Classification Scheme 2023. Collection method: clinical testing. Allele origin: germline.
Comment: The p.P30H variant (also known as c.89C>A), located in coding exon 3 of the MED23 gene, results from a C to A substitution at nucleotide position 89. The proline at codon 30 is replaced by histidine, an amino acid with similar properties. This amino acid position is highly conserved in available vertebrate species. In addition, the in silico prediction for this alteration is inconclusive. Since supporting evidence is limited at this time, the clinical significance of this alteration remains unclear.